The following is an entry in ClinVar:

NM_000145.4(FSHR):c.*246T>A

Gene: FSHR (follicle stimulating hormone receptor; minus strand). Cytogenetic location: 2p16.3.
Variant type: single nucleotide variant.
Coding change: c.*246T>A on transcript NM_000145.4 (MANE Select); 246 bases downstream of the stop codon, T replaced by A.
Molecular consequence: 3 prime UTR variant.
Genome position (GRCh38, 1-based): chr2:48,962,487, A>T on the plus strand (T>A on the coding strand, the complement: FSHR is on the minus strand). VCF-style: chr2-48962487-A-T. GRCh37 (hg19) VCF-style: chr2-49189626-A-T.
Other names: c.*246T>A (NM_181446.3).
Identifiers: ClinVar variation 336476 (VCV000336476.8), dbSNP rs72825259, ClinGen allele CA10615772.

ClinVar aggregate classification (germline): Likely benign. Review status: criteria provided, multiple submitters, no conflicts (2 of 4 stars). 4 submissions from 3 submitters: Likely benign (4). Last evaluated 2019-03-29.

Conditions:
Ovarian hyperstimulation syndrome (OHSS). Also called: OVARIAN HYPERSTIMULATION SYNDROME, FAMILIAL GESTATIONAL SPONTANEOUS. Identifiers: Orphanet 64739, MedGen C0085083, MONDO:0011972, OMIM 608115.
Ovarian dysgenesis 1 (ODG1). Also called: GONADAL DYSGENESIS, XX TYPE; OVARIAN DYSGENESIS, HYPERGONADOTROPIC, AUTOSOMAL RECESSIVE; OVARIAN DYSGENESIS, HYPERGONADOTROPIC, WITH NORMAL KARYOTYPE; OVARIAN FAILURE, HYPERGONADOTROPIC; Gonadal dysgenesis XX type deafness. Identifiers: Orphanet 243, MedGen C0949595, MONDO:0024463, OMIM 233300.

Allele frequency attached by ClinVar (database versions not stated): 1000 Genomes Project 30x 0.01218; 1000 Genomes Project 0.01278; TOPMed 0.01925; gnomAD 0.02109 and 0.02141; gnomAD exomes 0.02834.
gnomAD v4.1: 12,697 of 487,370 alleles (2.6%); highest among the groups gnomAD compares: Middle Eastern, 5%; 248 homozygotes.

Submissions (4):

GeneDx
Classification: Likely benign. Last evaluated: 2019-03-29. Review status: criteria provided, single submitter. Criteria: GeneDx Variant Classification Process June 2021. Collection method: clinical testing. Allele origin: germline. Affected: yes.

Illumina Laboratory Services, Illumina
Classification: Likely benign for Ovarian dysgenesis 1. Last evaluated: 2018-01-13. Review status: criteria provided, single submitter. Criteria: ICSL Variant Classification Criteria 13 December 2019. Collection method: clinical testing. Allele origin: germline.
Comment: This variant was observed in the ICSL laboratory as part of a predisposition screen in an ostensibly healthy population. It had not been previously curated by ICSL or reported in the Human Gene Mutation Database (HGMD: prior to June 1st, 2018), and was therefore a candidate for classification through an automated scoring system. Utilizing variant allele frequency, disease prevalence and penetrance estimates, and inheritance mode, an automated score was calculated to assess if this variant is too frequent to cause the disease. Based on the score and internal cut-off values, a variant classified as likely benign is not then subjected to further curation. The score for this variant resulted in a classification of likely benign for this disease.

Illumina Laboratory Services, Illumina
Classification: Likely benign for Ovarian hyperstimulation syndrome. Last evaluated: 2018-01-13. Review status: criteria provided, single submitter. Criteria: ICSL Variant Classification Criteria 13 December 2019. Collection method: clinical testing. Allele origin: germline.
Comment: the same text as in the submission from Illumina Laboratory Services, Illumina above.

Breakthrough Genomics
Classification: Likely benign. Review status: criteria provided, single submitter. Criteria: ACMG Guidelines, 2015. Collection method: not provided. Allele origin: germline. Inheritance: Autosomal recessive inheritance. Affected: yes.